The following is an entry in ClinVar:

NM_004260.4(RECQL4):c.2671C>A (p.Pro891Thr)

Gene: RECQL4 (RecQ like helicase 4; minus strand). Cytogenetic location: 8q24.3.
Variant type: single nucleotide variant.
Coding change: c.2671C>A on transcript NM_004260.4 (MANE Select); coding-DNA position 2671, C replaced by A.
Protein change: p.Pro891Thr; replaces proline 891 with threonine.
Molecular consequence: missense variant.
Genome position (GRCh38, 1-based): chr8:144,512,931, G>T on the plus strand (C>A on the coding strand, the complement: RECQL4 is on the minus strand). VCF-style: chr8-144512931-G-T. GRCh37 (hg19) VCF-style: chr8-145738314-G-T.
Other names: short protein forms P891T.
Identifiers: ClinVar variation 529011 (VCV000529011.4), dbSNP rs757175211, ClinGen allele CA4948152.

ClinVar aggregate classification (germline): Uncertain significance (1 of 4 stars; one submission).

Conditions:
Baller-Gerold syndrome (BGS). Also called: CRANIOSYNOSTOSIS WITH RADIAL DEFECTS. Identifiers: Orphanet 1225, MedGen C0265308, MONDO:0009039, OMIM 218600.

Allele frequency attached by ClinVar (database versions not stated): ExAC 0.00003.
gnomAD v4.1: 2 of 1,578,528 alleles (0.00013%); highest among the groups gnomAD compares: Non-Finnish European, 0.00017%; no homozygotes.

Submission:

Labcorp Genetics (formerly Invitae), Labcorp
Classification: Uncertain significance for Baller-Gerold syndrome. Last evaluated: 2025-08-25. Review status: criteria provided, single submitter. Criteria: Invitae Variant Classification Sherloc (09022015). Collection method: clinical testing. Allele origin: germline.
Comment: This sequence change replaces proline, which is neutral and non-polar, with threonine, which is neutral and polar, at codon 891 of the RECQL4 protein (p.Pro891Thr). The frequency data for this variant in the population databases is considered unreliable, as metrics indicate poor data quality at this position in the gnomAD database. This variant has not been reported in the literature in individuals affected with RECQL4-related conditions. ClinVar contains an entry for this variant (Variation ID: 529011). Invitae Evidence Modeling of protein sequence and biophysical properties (such as structural, functional, and spatial information, amino acid conservation, physicochemical variation, residue mobility, and thermodynamic stability) indicates that this missense variant is not expected to disrupt RECQL4 protein function with a negative predictive value of 80%. In summary, the available evidence is currently insufficient to determine the role of this variant in disease. Therefore, it has been classified as a Variant of Uncertain Significance.